The following is an entry in ClinVar:

ClinVar aggregate classification (germline): Likely pathogenic (1 of 4 stars; one submission).

Submission:

Labcorp Genetics (formerly Invitae), Labcorp
Classification: Likely pathogenic. Last evaluated: 2022-08-05. Review status: criteria provided, single submitter. Criteria: Invitae Variant Classification Sherloc (09022015). Collection method: clinical testing. Allele origin: germline.
Comment: Algorithms developed to predict the effect of sequence changes on RNA splicing suggest that this variant may disrupt the consensus splice site. In summary, the currently available evidence indicates that the variant is pathogenic, but additional data are needed to prove that conclusively. Therefore, this variant has been classified as Likely Pathogenic. This variant has not been reported in the literature in individuals affected with TCIRG1-related conditions. This variant is not present in population databases (gnomAD no frequency). This sequence change affects a donor splice site in intron 16 of the TCIRG1 gene. It is expected to disrupt RNA splicing. Variants that disrupt the donor or acceptor splice site typically lead to a loss of protein function (PMID: 16199547), and loss-of-function variants in TCIRG1 are known to be pathogenic (PMID: 10888887, 10942435, 11532986, 19448635).

Literature cited by the submitters: PubMed 16199547; PubMed 10888887; PubMed 10942435; PubMed 11532986; PubMed 19448635.

NM_006019.4(TCIRG1):c.2013+1G>A

Gene: TCIRG1 (T cell immune regulator 1, ATPase H+ transporting V0 subunit a3; plus strand). Cytogenetic location: 11q13.2.
Variant type: single nucleotide variant.
Coding change: c.2013+1G>A on transcript NM_006019.4 (MANE Select); the canonical splice donor site of the intron after coding-DNA position 2013, G replaced by A.
Molecular consequence: splice donor variant.
Genome position (GRCh38, 1-based): chr11:68,049,789, G>A. VCF-style: chr11-68049789-G-A. GRCh37 (hg19) VCF-style: chr11-67817256-G-A.
Other names: c.1119+1G>A (NM_001351059.2); c.1365+1G>A (NM_006053.4).
Identifiers: ClinVar variation 2021655 (VCV002021655.4), dbSNP rs2495664561, ClinGen allele CA381589064.